The following is an entry in ClinVar:

ClinVar aggregate classification (germline): Uncertain significance. Review status: criteria provided, multiple submitters, no conflicts (2 of 4 stars). 3 submissions from 3 submitters: Uncertain significance (3). Last evaluated 2025-12-03.

Conditions:
Inborn genetic diseases. Identifiers: MedGen C0950123, MeSH D030342.

Submissions (3):

Ambry Genetics
Classification: Uncertain significance for Inborn genetic diseases. Last evaluated: 2025-12-03. Review status: criteria provided, single submitter. Criteria: Ambry Variant Classification Scheme 2023. Collection method: clinical testing. Allele origin: germline.

Blueprint Genetics
Classification: Uncertain significance. Last evaluated: 2022-11-04. Review status: criteria provided, single submitter. Criteria: ACMG Guidelines, 2015. Collection method: clinical testing. Allele origin: germline.

GeneDx
Classification: Uncertain significance. Last evaluated: 2020-12-03. Review status: criteria provided, single submitter. Criteria: GeneDx Variant Classification Process June 2021. Collection method: clinical testing. Allele origin: germline. Affected: yes.
Comment: Not observed in large population cohorts (Lek et al., 2016); In silico analysis supports that this missense variant has a deleterious effect on protein structure/function; Has not been previously published as pathogenic or benign to our knowledge

NM_024809.5(TCTN2):c.1319A>C (p.Gln440Pro)

Gene: TCTN2 (tectonic family member 2; plus strand). Cytogenetic location: 12q24.31.
Variant type: single nucleotide variant.
Coding change: c.1319A>C on transcript NM_024809.5 (MANE Select); coding-DNA position 1319, A replaced by C.
Protein change: p.Gln440Pro; replaces glutamine 440 with proline.
Molecular consequence: missense variant.
Genome position (GRCh38, 1-based): chr12:123,696,421, A>C. VCF-style: chr12-123696421-A-C. GRCh37 (hg19) VCF-style: chr12-124180968-A-C.
Other names: c.1316A>C, p.Gln439Pro (NM_001143850.3); c.1319A>C (NM_024809.3); short protein forms Q439P, Q440P.
Identifiers: ClinVar variation 1313476 (VCV001313476.4), dbSNP rs1956109718, ClinGen allele CA387144330.
Genomic context (GRCh38, chr12:123,696,421, plus strand): 5'-GGGCTTGCTATGCTGGAGGAAACAGGCTCACGTTCCTTTGTTGTGTTTGTCTAGGTTACC[A>C]ACTTGGCAAGCCTGTCCGAGCTCTAAATATCAACAGGATGAATAATGTCACGACTTTACA-3'
Protein context (NP_079085.2, residues 430-450): EEELSGNPGY[Gln440Pro]LGKPVRALNI